The following is an entry in ClinVar:

NM_002734.5(PRKAR1A):c.916C>G (p.Arg306Gly)

Gene: PRKAR1A (protein kinase cAMP-dependent type I regulatory subunit alpha; plus strand). Cytogenetic location: 17q24.2.
Variant type: single nucleotide variant.
Coding change: c.916C>G on transcript NM_002734.5 (MANE Select); coding-DNA position 916, C replaced by G.
Protein change: p.Arg306Gly; replaces arginine 306 with glycine.
Molecular consequence: missense variant.
Genome position (GRCh38, 1-based): chr17:68,529,944, C>G. VCF-style: chr17-68529944-C-G. GRCh37 (hg19) VCF-style: chr17-66526085-C-G.
Other names: c.916C>G, p.Arg306Gly (NM_001276289.2, NM_001276290.1, NM_001278433.2 and 4 more transcripts); short protein forms R306G.
Identifiers: ClinVar variation 3624871 (VCV003624871.2).

ClinVar aggregate classification (germline): Uncertain significance (1 of 4 stars; one submission).

Conditions:
Carney complex, type 1 (CNC1). Also called: CARNEY COMPLEX, TYPE I; CARNEY MYXOMA-ENDOCRINE COMPLEX. Identifiers: Orphanet 1359, MedGen C2607929, MONDO:0008057, OMIM 160980.

Submission:

Labcorp Genetics (formerly Invitae), Labcorp
Classification: Uncertain significance for Carney complex, type 1. Last evaluated: 2024-04-07. Review status: criteria provided, single submitter. Criteria: Invitae Variant Classification Sherloc (09022015). Collection method: clinical testing. Allele origin: germline.
Comment: This sequence change replaces arginine, which is basic and polar, with glycine, which is neutral and non-polar, at codon 306 of the PRKAR1A protein (p.Arg306Gly). This variant is not present in population databases (gnomAD no frequency). This variant has not been reported in the literature in individuals affected with PRKAR1A-related conditions. Advanced modeling of protein sequence and biophysical properties (such as structural, functional, and spatial information, amino acid conservation, physicochemical variation, residue mobility, and thermodynamic stability) performed at Invitae indicates that this missense variant is not expected to disrupt PRKAR1A protein function with a negative predictive value of 80%. In summary, the available evidence is currently insufficient to determine the role of this variant in disease. Therefore, it has been classified as a Variant of Uncertain Significance.